The following is an entry in ClinVar:

NC_000008.11:g.(?_31076163)_(31076297_?)del

Gene: WRN (WRN RecQ like helicase; plus strand). Cytogenetic location: 8p12.
Variant type: Deletion.
Identifiers: ClinVar variation 833336 (VCV000833336.6).

ClinVar aggregate classification (germline): Pathogenic (1 of 4 stars; one submission).

Conditions:
Werner syndrome (WRN). Identifiers: Orphanet 902, MedGen C0043119, MONDO:0010196, OMIM 277700.

Submission:

Labcorp Genetics (formerly Invitae), Labcorp
Classification: Pathogenic for Werner syndrome. Last evaluated: 2023-12-06. Review status: criteria provided, single submitter. Criteria: Invitae Variant Classification Sherloc (09022015). Collection method: clinical testing. Allele origin: germline.
Comment: This variant is a gross deletion of the genomic region encompassing exon(s) 8 of the WRN gene. This deletion is out-of-frame, and is expected to create a premature termination codon and result in an absent or disrupted protein product. Loss-of-function variants in WRN are known to be pathogenic (PMID: 16673358). This variant has not been reported in the literature in individuals affected with WRN-related conditions. For these reasons, this variant has been classified as Pathogenic.

Literature cited by the submitters: PubMed 16673358.